The following is an entry in ClinVar:

NM_004281.4(BAG3):c.1469T>C (p.Ile490Thr)

Gene: BAG3 (BAG cochaperone 3; plus strand). Cytogenetic location: 10q26.11.
Variant type: single nucleotide variant.
Coding change: c.1469T>C on transcript NM_004281.4 (MANE Select); coding-DNA position 1469, T replaced by C.
Protein change: p.Ile490Thr; replaces isoleucine 490 with threonine.
Molecular consequence: missense variant.
Genome position (GRCh38, 1-based): chr10:119,677,023, T>C. VCF-style: chr10-119677023-T-C. GRCh37 (hg19) VCF-style: chr10-121436535-T-C.
Other names: short protein forms I490T.
Identifiers: ClinVar variation 1389928 (VCV001389928.6), dbSNP rs1251253467, ClinGen allele CA378297384.

ClinVar aggregate classification (germline): Uncertain significance (1 of 4 stars; one submission).

Conditions:
Dilated cardiomyopathy 1HH (CMD1HH). Identifiers: Orphanet 154, MedGen C3151293, MONDO:0013479, OMIM 613881.
Myofibrillar myopathy 6. Identifiers: Orphanet 199340, MedGen C2751831, MONDO:0013061, OMIM 612954.

Allele frequency attached by ClinVar (database versions not stated): TOPMed below 0.00001; gnomAD 0.00001; gnomAD exomes 0.00001.
gnomAD v4.1: 15 of 1,614,022 alleles (0.00093%); highest among the groups gnomAD compares: Non-Finnish European, 0.0013%; no homozygotes.

Submission:

Labcorp Genetics (formerly Invitae), Labcorp
Classification: Uncertain significance for Dilated cardiomyopathy 1HH; Myofibrillar myopathy 6. Last evaluated: 2022-03-06. Review status: criteria provided, single submitter. Criteria: Invitae Variant Classification Sherloc (09022015). Collection method: clinical testing. Allele origin: germline.
Comment: This variant is not present in population databases (gnomAD no frequency). This sequence change replaces isoleucine, which is neutral and non-polar, with threonine, which is neutral and polar, at codon 490 of the BAG3 protein (p.Ile490Thr). This variant has not been reported in the literature in individuals affected with BAG3-related conditions. Algorithms developed to predict the effect of missense changes on protein structure and function are either unavailable or do not agree on the potential impact of this missense change (SIFT: "Tolerated"; PolyPhen-2: "Not Available"; Align-GVGD: "Class C0"). In summary, the available evidence is currently insufficient to determine the role of this variant in disease. Therefore, it has been classified as a Variant of Uncertain Significance.